The following is an entry in ClinVar:

ClinVar aggregate classification (germline): Uncertain significance. Review status: criteria provided, multiple submitters, no conflicts (2 of 4 stars). 2 submissions from 2 submitters: Uncertain significance (2). Last evaluated 2023-09-27.

Conditions:
Severe combined immunodeficiency due to DNA-PKcs deficiency. Also called: IMMUNODEFICIENCY 26 WITH NEUROLOGIC ABNORMALITIES; Immunodeficiency 26 with or without neurologic abnormalities. Identifiers: Orphanet 317425, MedGen C4014833, MONDO:0014423, OMIM 615966.

Allele frequency attached by ClinVar (database versions not stated): gnomAD 0.00001; ExAC 0.00003; gnomAD exomes 0.00008.
gnomAD v4.1: 104 of 1,566,252 alleles (0.0066%); highest among the groups gnomAD compares: Non-Finnish European, 0.009%; no homozygotes.

Submissions (2):

Labcorp Genetics (formerly Invitae), Labcorp
Classification: Uncertain significance for Severe combined immunodeficiency due to DNA-PKcs deficiency. Last evaluated: 2023-09-27. Review status: criteria provided, single submitter. Criteria: Invitae Variant Classification Sherloc (09022015). Collection method: clinical testing. Allele origin: germline.
Comment: In summary, the available evidence is currently insufficient to determine the role of this variant in disease. Therefore, it has been classified as a Variant of Uncertain Significance. This sequence change replaces serine, which is neutral and polar, with glycine, which is neutral and non-polar, at codon 187 of the PRKDC protein (p.Ser187Gly). This variant is present in population databases (rs774978483, gnomAD 0.005%). This variant has not been reported in the literature in individuals affected with PRKDC-related conditions. ClinVar contains an entry for this variant (Variation ID: 1748524). Advanced modeling of protein sequence and biophysical properties (such as structural, functional, and spatial information, amino acid conservation, physicochemical variation, residue mobility, and thermodynamic stability) has been performed at Invitae for this missense variant, however the output from this modeling did not meet the statistical confidence thresholds required to predict the impact of this variant on PRKDC protein function.

Ambry Genetics
Classification: Uncertain significance. Last evaluated: 2021-11-02. Review status: criteria provided, single submitter. Criteria: Ambry Variant Classification Scheme 2023. Collection method: clinical testing. Allele origin: germline.
Comment: The p.S187G variant (also known as c.559A>G), located in coding exon 6 of the PRKDC gene, results from an A to G substitution at nucleotide position 559. The serine at codon 187 is replaced by glycine, an amino acid with similar properties. This amino acid position is conserved. In addition, this alteration is predicted to be tolerated by in silico analysis. Since supporting evidence is limited at this time, the clinical significance of this alteration remains unclear.

NM_006904.7(PRKDC):c.559A>G (p.Ser187Gly)

Gene: PRKDC (protein kinase, DNA-activated, catalytic subunit; minus strand). Cytogenetic location: 8q11.21.
Variant type: single nucleotide variant.
Coding change: c.559A>G on transcript NM_006904.7 (MANE Select); coding-DNA position 559, A replaced by G.
Protein change: p.Ser187Gly; replaces serine 187 with glycine.
Molecular consequence: missense variant.
Genome position (GRCh38, 1-based): chr8:47,953,869, T>C on the plus strand (A>G on the coding strand, the complement: PRKDC is on the minus strand). VCF-style: chr8-47953869-T-C. GRCh37 (hg19) VCF-style: chr8-48866429-T-C.
Other names: c.559A>G, p.Ser187Gly (NM_001081640.2); short protein forms S187G.
Identifiers: ClinVar variation 1748524 (VCV001748524.3), dbSNP rs774978483, ClinGen allele CA4741992.
Genomic context (GRCh38, chr8:47,953,869, plus strand): 5'-GGGTCTTAAGTTCACCCAGAAAAGCGCGGAACAGGTTTTCTGCATTATTTATCATCTCAC[T>C]AGGATGAACTTCACCCAATAATCCTAGGAGCTCATATACTTTTTCTAAAACTGAAAAGAA-3'
Protein context (NP_008835.5, residues 177-197): LLGLLGEVHP[Ser187Gly]EMINNAENLF